The following is an entry in ClinVar:

ClinVar aggregate classification (germline): Uncertain significance. Review status: criteria provided, multiple submitters, no conflicts (2 of 4 stars). 2 submissions from 2 submitters: Uncertain significance (2). Last evaluated 2025-05-05.

Conditions:
Congenital cataract-microcephaly-nevus flammeus simplex-severe intellectual disability syndrome. Also called: Basel-Vanagaite-Smirin-Yosef syndrome. Identifiers: Orphanet 464738, MedGen C4225323, MONDO:0014643, OMIM 616449.
Charcot-Marie-Tooth disease type 2. Also called: Charcot-Marie-Tooth type 2. Identifiers: Orphanet 64746, MedGen C0270914, MONDO:0018993.

Allele frequency attached by ClinVar (database versions not stated): gnomAD exomes below 0.00001; TOPMed 0.00002.

Submissions (2):

Labcorp Genetics (formerly Invitae), Labcorp
Classification: Uncertain significance for Charcot-Marie-Tooth disease type 2. Last evaluated: 2025-05-05. Review status: criteria provided, single submitter. Criteria: Invitae Variant Classification Sherloc (09022015). Collection method: clinical testing. Allele origin: germline.
Comment: This sequence change replaces glutamine, which is neutral and polar, with histidine, which is basic and polar, at codon 310 of the MED25 protein (p.Gln310His). This variant is not present in population databases (gnomAD no frequency). This variant has not been reported in the literature in individuals affected with MED25-related conditions. ClinVar contains an entry for this variant (Variation ID: 995689). An algorithm developed to predict the effect of missense changes on protein structure and function (PolyPhen-2) suggests that this variant is likely to be tolerated. In summary, the available evidence is currently insufficient to determine the role of this variant in disease. Therefore, it has been classified as a Variant of Uncertain Significance.

ARUP Laboratories, Molecular Genetics and Genomics, ARUP Laboratories
Classification: Uncertain significance for Congenital cataract-microcephaly-nevus flammeus simplex-severe intellectual disability syndrome. Last evaluated: 2019-11-11. Review status: criteria provided, single submitter. Criteria: ARUP Molecular Germline Variant Investigation Process. Collection method: clinical testing. Allele origin: germline.
Comment: The MED25 c.930A>T; p.Gln310His variant, to our knowledge, is not reported in the medical literature or gene specific databases. This variant is also absent from general population databases (Exome Variant Server, Genome Aggregation Database), indicating it is not a common polymorphism. The glutamine at codon 310 is moderately conserved, and computational analyses (SIFT, PolyPhen-2) predict that this variant is deleterious. However, due to limited information, the clinical significance of this variant is uncertain at this time.

NM_030973.4(MED25):c.930A>T (p.Gln310His)

Gene: MED25 (mediator complex subunit 25; plus strand). Cytogenetic location: 19q13.33.
Variant type: single nucleotide variant.
Coding change: c.930A>T on transcript NM_030973.4 (MANE Select); coding-DNA position 930, A replaced by T.
Protein change: p.Gln310His; replaces glutamine 310 with histidine.
Molecular consequence: missense variant.
Genome position (GRCh38, 1-based): chr19:49,830,716, A>T. VCF-style: chr19-49830716-A-T. GRCh37 (hg19) VCF-style: chr19-50333973-A-T.
Other names: c.930A>T, p.Gln310His (NM_001378355.1); short protein forms Q310H.
Identifiers: ClinVar variation 995689 (VCV000995689.15), dbSNP rs2074049426, ClinGen allele CA406914854.